The following is an entry in ClinVar:

ClinVar aggregate classification (germline): Likely benign. Review status: criteria provided, multiple submitters, no conflicts (2 of 4 stars). 3 submissions from 3 submitters: Likely benign (3). Last evaluated 2026-01-22.

Conditions:
ADGRV1-related disorder. Also called: ADGRV1-related condition; ADGRV1-related disorders.

Allele frequency attached by ClinVar (database versions not stated): 1000 Genomes Project 30x 0.00062; 1000 Genomes Project 0.00080.
gnomAD v4.1: 99 of 1,612,700 alleles (0.0061%); highest among the groups gnomAD compares: African/African-American, 0.063%; no homozygotes.

Submissions (3):

Labcorp Genetics (formerly Invitae), Labcorp
Classification: Likely benign. Last evaluated: 2026-01-22. Review status: criteria provided, single submitter. Criteria: Invitae Variant Classification Sherloc (09022015). Collection method: clinical testing. Allele origin: germline.

PreventionGenetics, part of Exact Sciences
Classification: Likely benign for ADGRV1-related condition. Last evaluated: 2025-09-04. Review status: criteria provided, single submitter. Criteria: ACMG Guidelines, 2015. Collection method: clinical testing. Allele origin: germline.
Comment: This variant is classified as likely benign based on ACMG/AMP sequence variant interpretation guidelines (Richards et al. 2015 PMID: 25741868, with internal and published modifications).

Blueprint Genetics
Classification: Likely benign. Last evaluated: 2024-11-01. Review status: criteria provided, single submitter. Criteria: ACMG Guidelines, 2015. Collection method: clinical testing. Allele origin: germline.

NM_032119.4(ADGRV1):c.13590C>A (p.Pro4530=)

Gene: ADGRV1 (adhesion G protein-coupled receptor V1; plus strand). Cytogenetic location: 5q14.3.
Variant type: single nucleotide variant.
Coding change: c.13590C>A on transcript NM_032119.4 (MANE Select); coding-DNA position 13590, C replaced by A.
Protein change: p.Pro4530=; no amino-acid change (proline 4530 retained).
Molecular consequence: synonymous variant. On other transcripts: non-coding transcript variant (1).
Genome position (GRCh38, 1-based): chr5:90,783,994, C>A. VCF-style: chr5-90783994-C-A. GRCh37 (hg19) VCF-style: chr5-90079811-C-A.
Other names: c.13590C>A (NM_032119.3).
Identifiers: ClinVar variation 1102478 (VCV001102478.11), dbSNP rs41311745, ClinGen allele CA3341558.